The following is an entry in ClinVar:

ClinVar aggregate classification (germline): Conflicting classifications of pathogenicity. Review status: criteria provided, conflicting classifications (1 of 4 stars). 4 submissions from 4 submitters: Uncertain significance (1); Likely benign (3). Last evaluated 2026-05-11.

Conditions:
DMP1-related disorder. Also called: DMP1-related condition.
Hypophosphatemic rickets, autosomal recessive, 1 (ARHR1). Also called: HYPOPHOSPHATEMIA, AUTOSOMAL RECESSIVE. Identifiers: Orphanet 289176, MedGen C4551495, MONDO:0009430, OMIM 241520. Disease mechanism: loss of function.

Allele frequency attached by ClinVar (database versions not stated): gnomAD exomes 0.00010 and 0.00014; ExAC 0.00018; ESP Exome Variant Server 0.00031; gnomAD 0.00043; TOPMed 0.00043; 1000 Genomes Project 0.00100; 1000 Genomes Project 30x 0.00109.

Submissions (4):

PreventionGenetics, part of Exact Sciences
Classification: Likely benign for DMP1-related condition. Last evaluated: 2026-05-11. Review status: criteria provided, single submitter. Criteria: ACMG Guidelines, 2015. Collection method: clinical testing. Allele origin: germline.
Comment: This variant is classified as likely benign based on ACMG/AMP sequence variant interpretation guidelines (Richards et al. 2015 PMID: 25741868, with internal and published modifications).

Labcorp Genetics (formerly Invitae), Labcorp
Classification: Likely benign. Last evaluated: 2026-01-19. Review status: criteria provided, single submitter. Criteria: Invitae Variant Classification Sherloc (09022015). Collection method: clinical testing. Allele origin: germline.

Mayo Clinic Laboratories, Mayo Clinic
Classification: Likely benign. Last evaluated: 2025-12-05. Review status: criteria provided, single submitter. Criteria: ACMG Guidelines, 2015. Collection method: clinical testing. Allele origin: germline. Observed: 1 variant allele.
Comment: BS1, BP4, BP7

Illumina Laboratory Services, Illumina
Classification: Uncertain significance for Hypophosphatemic rickets, autosomal recessive, 1. Last evaluated: 2017-04-28. Review status: criteria provided, single submitter. Criteria: ICSL Variant Classification Criteria 13 December 2019. Collection method: clinical testing. Allele origin: germline.

NM_004407.4(DMP1):c.1356C>T (p.Asp452=)

Genes: DMP1 (dentin matrix acidic phosphoprotein 1; plus strand), DMP1-AS1 (DMP1 and DSPP antisense RNA 1; minus strand). Cytogenetic location: 4q22.1.
Variant type: single nucleotide variant.
Coding change: c.1356C>T on transcript NM_004407.4 (MANE Select); coding-DNA position 1356, C replaced by T.
Protein change: p.Asp452=; no amino-acid change (aspartic acid 452 retained).
Molecular consequence: synonymous variant.
Genome position (GRCh38, 1-based): chr4:87,663,134, C>T. VCF-style: chr4-87663134-C-T. GRCh37 (hg19) VCF-style: chr4-88584286-C-T.
Other names: p.Asp452=; c.1308C>T, p.Asp436= (NM_001079911.3).
Identifiers: ClinVar variation 907171 (VCV000907171.14), dbSNP rs149026481, ClinGen allele CA3002187.